The following is an entry in ClinVar:

ClinVar aggregate classification (germline): Uncertain significance. Review status: criteria provided, multiple submitters, no conflicts (2 of 4 stars). 7 submissions from 4 submitters: Uncertain significance (7). Last evaluated 2025-06-30.

Conditions:
Congenital myopathy 18. Also called: Myopathy, congenital, due to dihydropyridine receptor defect; DIHYDROPYRIDINE RECEPTOR CONGENITAL MYOPATHY; DHPR CONGENITAL MYOPATHY. Identifiers: MedGen C5830283, MONDO:0859514, OMIM 620246.
Malignant hyperthermia, susceptibility to, 5 (MHS5). Also called: CACNA1S-Related Malignant Hyperthermia Susceptibility. Identifiers: Orphanet 423, MedGen C1866077, MONDO:0011163, OMIM 601887.
Hypokalemic periodic paralysis, type 1. Also called: HypoPP; Hypokalemic Periodic Paralysis Type 1 (AD). Identifiers: Orphanet 681, MedGen C3714580, MONDO:0042979, OMIM 170400.
Thyrotoxic periodic paralysis, susceptibility to, 1 (TTPP1). Identifiers: Orphanet 79102, MedGen C2749982, MONDO:0008570, OMIM 188580.

Allele frequency attached by ClinVar (database versions not stated): gnomAD exomes 0.00001; TOPMed 0.00001.
gnomAD v4.1: 16 of 1,614,216 alleles (0.00099%); highest among the groups gnomAD compares: African/African-American, 0.0013%; no homozygotes.

Submissions (7):

Color Diagnostics, LLC DBA Color Health
Classification: Uncertain significance for Malignant hyperthermia, susceptibility to, 5. Last evaluated: 2025-06-30. Review status: criteria provided, single submitter. Criteria: ACMG Guidelines, 2015. Collection method: clinical testing. Allele origin: germline.
Comment: This missense variant replaces asparagine with serine at codon 269 of the CACNA1S protein. Computational prediction suggests that this variant may have deleterious impact on protein structure and function. To our knowledge, functional studies have not been reported for this variant. This variant has not been reported in individuals affected with CACNA1S-related disorders in the literature. This variant has been identified in 2/251342 chromosomes in the general population by the Genome Aggregation Database (gnomAD). The available evidence is insufficient to determine the role of this variant in disease conclusively. Therefore, this variant is classified as a Variant of Uncertain Significance.

Labcorp Genetics (formerly Invitae), Labcorp
Classification: Uncertain significance for Hypokalemic periodic paralysis, type 1; Malignant hyperthermia, susceptibility to, 5. Last evaluated: 2023-12-01. Review status: criteria provided, single submitter. Criteria: Invitae Variant Classification Sherloc (09022015). Collection method: clinical testing. Allele origin: germline.
Comment: This sequence change replaces asparagine, which is neutral and polar, with serine, which is neutral and polar, at codon 269 of the CACNA1S protein (p.Asn269Ser). This variant is present in population databases (no rsID available, gnomAD 0.002%). This variant has not been reported in the literature in individuals affected with CACNA1S-related conditions. ClinVar contains an entry for this variant (Variation ID: 1382683). Advanced modeling of protein sequence and biophysical properties (such as structural, functional, and spatial information, amino acid conservation, physicochemical variation, residue mobility, and thermodynamic stability) performed at Invitae indicates that this missense variant is not expected to disrupt CACNA1S protein function with a negative predictive value of 80%. In summary, the available evidence is currently insufficient to determine the role of this variant in disease. Therefore, it has been classified as a Variant of Uncertain Significance.

Genome-Nilou Lab
Classification: Uncertain significance for Malignant hyperthermia, susceptibility to, 5. Last evaluated: 2023-04-11. Review status: criteria provided, single submitter. Criteria: ACMG Guidelines, 2015. Collection method: clinical testing. Allele origin: germline. Affected: no.

Genome-Nilou Lab
Classification: Uncertain significance for Thyrotoxic periodic paralysis, susceptibility to, 1. Last evaluated: 2023-04-11. Review status: criteria provided, single submitter. Criteria: ACMG Guidelines, 2015. Collection method: clinical testing. Allele origin: germline. Affected: no.

Genome-Nilou Lab
Classification: Uncertain significance for Congenital myopathy 18. Last evaluated: 2023-04-11. Review status: criteria provided, single submitter. Criteria: ACMG Guidelines, 2015. Collection method: clinical testing. Allele origin: germline. Affected: no.

Genome-Nilou Lab
Classification: Uncertain significance for Hypokalemic periodic paralysis, type 1. Last evaluated: 2023-04-11. Review status: criteria provided, single submitter. Criteria: ACMG Guidelines, 2015. Collection method: clinical testing. Allele origin: germline. Affected: no.

Fulgent Genetics
Classification: Uncertain significance for Hypokalemic periodic paralysis, type 1; Thyrotoxic periodic paralysis, susceptibility to, 1; Malignant hyperthermia, susceptibility to, 5. Last evaluated: 2022-01-06. Review status: criteria provided, single submitter. Criteria: ACMG Guidelines, 2015. Collection method: clinical testing. Allele origin: unknown.

NM_000069.3(CACNA1S):c.806A>G (p.Asn269Ser)

Gene: CACNA1S (calcium voltage-gated channel subunit alpha1 S; minus strand). Cytogenetic location: 1q32.1.
Variant type: single nucleotide variant.
Coding change: c.806A>G on transcript NM_000069.3 (MANE Select); coding-DNA position 806, A replaced by G.
Protein change: p.Asn269Ser; replaces asparagine 269 with serine.
Molecular consequence: missense variant.
Genome position (GRCh38, 1-based): chr1:201,089,352, T>C on the plus strand (A>G on the coding strand, the complement: CACNA1S is on the minus strand). VCF-style: chr1-201089352-T-C. GRCh37 (hg19) VCF-style: chr1-201058480-T-C.
Other names: short protein forms N269S.
Identifiers: ClinVar variation 1382683 (VCV001382683.9), dbSNP rs1028599438, ClinGen allele CA35993818.